The following is an entry in ClinVar:

NM_012414.4(RAB3GAP2):c.1325G>A (p.Arg442Lys)

Gene: RAB3GAP2 (RAB3 GTPase activating non-catalytic protein subunit 2; minus strand). Cytogenetic location: 1q41.
Variant type: single nucleotide variant.
Coding change: c.1325G>A on transcript NM_012414.4 (MANE Select); coding-DNA position 1325, G replaced by A.
Protein change: p.Arg442Lys; replaces arginine 442 with lysine.
Molecular consequence: missense variant.
Genome position (GRCh38, 1-based): chr1:220,191,230, C>T on the plus strand (G>A on the coding strand, the complement: RAB3GAP2 is on the minus strand). VCF-style: chr1-220191230-C-T. GRCh37 (hg19) VCF-style: chr1-220364572-C-T.
Other names: short protein forms R442K.
Identifiers: ClinVar variation 1303242 (VCV001303242.2), dbSNP rs2102869763, ClinGen allele CA344645654.

ClinVar aggregate classification (germline): Uncertain significance (1 of 4 stars; one submission).

Submission:

GeneDx
Classification: Uncertain significance. Last evaluated: 2019-08-29. Review status: criteria provided, single submitter. Criteria: GeneDx Variant Classification Process June 2021. Collection method: clinical testing. Allele origin: germline. Affected: yes.
Comment: Not observed in large population cohorts (Lek et al., 2016); In silico analysis, which includes protein predictors and evolutionary conservation, supports that this variant does not alter protein structure/function; Has not been previously published as pathogenic or benign to our knowledge